The following is an entry in ClinVar:

ClinVar aggregate classification (germline): Uncertain significance (1 of 4 stars; one submission).

Allele frequency attached by ClinVar (database versions not stated): gnomAD 0.00006; gnomAD exomes 0.00011; 1000 Genomes Project 30x 0.00031; 1000 Genomes Project 0.00040; ExAC 0.00083.

Submission:

GeneDx
Classification: Uncertain significance. Last evaluated: 2024-05-13. Review status: criteria provided, single submitter. Criteria: GeneDx Variant Classification Process June 2021. Collection method: clinical testing. Allele origin: germline. Affected: yes.
Comment: In silico analysis indicates that this missense variant does not alter protein structure/function; Has not been previously published as pathogenic or benign to our knowledge

NM_018480.7(TMEM126B):c.32A>C (p.Lys11Thr)

Gene: TMEM126B (transmembrane protein 126B; plus strand). Cytogenetic location: 11q14.1.
Variant type: single nucleotide variant.
Coding change: c.32A>C on transcript NM_018480.7 (MANE Select); coding-DNA position 32, A replaced by C.
Protein change: p.Lys11Thr; replaces lysine 11 with threonine.
Molecular consequence: missense variant. On other transcripts: 5 prime UTR variant (5), non-coding transcript variant (2).
Genome position (GRCh38, 1-based): chr11:85,628,639, A>C. VCF-style: chr11-85628639-A-C. GRCh37 (hg19) VCF-style: chr11-85339683-A-C.
Other names: c.-160A>C (NM_001193537.3, NM_001350395.2); c.-231A>C (NM_001193538.3, NM_001350396.2); c.-131A>C (NM_001256546.2); c.16A>C, p.Ser6Arg (NM_001256547.2); c.32A>C, p.Lys11Thr (NM_001350393.1, NM_001350394.2); short protein forms K11T, S6R.
Identifiers: ClinVar variation 3253245 (VCV003253245.1), dbSNP rs573475998.
Genomic context (GRCh38, chr11:85,628,639, plus strand): 5'-CCCACCGGCAAGTCACATGAGCCACCAAAATGGTGGTGTTCGGGTATGAGGCTGGGACTA[A>C]GCCAAGGGATTCAGGTGTGGTGCCGGTGGGAACTGAGGAAGCGCCCAAGGTAGGCGGAAA-3'
Protein context (NP_060950.3, residues 1-21): MVVFGYEAGT[Lys11Thr]PRDSGVVPVG